The following is an entry in ClinVar:

ClinVar aggregate classification (germline): Likely benign (0 of 4 stars; one submission).

Conditions:
EP300-related disorder. Also called: EP300-related disorders; EP300-related condition.

Allele frequency attached by ClinVar (database versions not stated): TOPMed 0.00008; gnomAD 0.00013; ExAC 0.00016; gnomAD exomes 0.00018.
gnomAD v4.1: 281 of 1,613,986 alleles (0.017%); highest among the groups gnomAD compares: Non-Finnish European, 0.023%; no homozygotes.

Submission:

PreventionGenetics, part of Exact Sciences
Classification: Likely benign for EP300-related condition. Last evaluated: 2021-09-15. Review status: no assertion criteria provided. Collection method: clinical testing. Allele origin: germline.
Comment: This variant is classified as likely benign based on ACMG/AMP sequence variant interpretation guidelines (Richards et al. 2015 PMID: 25741868, with internal and published modifications).

NM_001429.4(EP300):c.-9G>T

Gene: EP300 (E1A binding protein p300; plus strand). Cytogenetic location: 22q13.2.
Variant type: single nucleotide variant.
Coding change: c.-9G>T on transcript NM_001429.4 (MANE Select); 9 bases upstream of the start codon, G replaced by T.
Molecular consequence: 5 prime UTR variant.
Genome position (GRCh38, 1-based): chr22:41,092,996, G>T. VCF-style: chr22-41092996-G-T. GRCh37 (hg19) VCF-style: chr22-41489000-G-T.
Other names: c.-9G>T (NM_001362843.2).
Identifiers: ClinVar variation 3055114 (VCV003055114.2), dbSNP rs752378303, ClinGen allele CA10252134.